The following is an entry in ClinVar:

ClinVar aggregate classification (germline): Uncertain significance. Review status: criteria provided, multiple submitters, no conflicts (2 of 4 stars). 3 submissions from 3 submitters: Uncertain significance (2). 1 of the submissions does not count toward it. Last evaluated 2021-11-18.

Conditions:
Hereditary cancer-predisposing syndrome. Also called: Neoplastic Syndromes, Hereditary; Tumor predisposition; Hereditary Cancer Syndrome; Hereditary neoplastic syndrome. Identifiers: Orphanet 140162, MedGen C0027672, MeSH D009386, MONDO:0015356.

gnomAD v4.1: 1 of 1,614,182 alleles (0.000062%); highest among the groups gnomAD compares: East Asian, 0.0022%; no homozygotes.

Submissions (3):

Color Diagnostics, LLC DBA Color Health
Classification: Uncertain significance for Hereditary cancer-predisposing syndrome. Last evaluated: 2021-11-18. Review status: criteria provided, single submitter. Criteria: ACMG Guidelines, 2015. Collection method: clinical testing. Allele origin: germline.
Comment: This missense variant replaces serine with phenylalanine at codon 534 of the PALB2 protein. Computational prediction suggests that this variant may not impact protein structure and function (internally defined REVEL score threshold <= 0.5, PMID: 27666373). To our knowledge, functional studies have not been reported for this variant. In a large prostate cancer case-control study, this variant was identified in 2/7636 prostate cancer cases and 1/12366 controls with OR=3.239261 (0.17 to 190.91), P-value=0.5622205 (PMID: 31214711). In a breast cancer as well as a pancreatic cancer case-control study, this variant was identified in controls, but was not present in any cases (PMID: 30287823, 32980694). This variant has not been identified in the general population by the Genome Aggregation Database (gnomAD). The available evidence is insufficient to determine the role of this variant in disease conclusively. Therefore, this variant is classified as a Variant of Uncertain Significance.

Ambry Genetics
Classification: Uncertain significance for Hereditary cancer-predisposing syndrome. Last evaluated: 2017-01-24. Review status: criteria provided, single submitter. Criteria: Ambry Variant Classification Scheme 2023. Collection method: clinical testing. Allele origin: germline.
Comment: The p.S534F variant (also known as c.1601C>T), located in coding exon 4 of the PALB2 gene, results from a C to T substitution at nucleotide position 1601. The serine at codon 534 is replaced by phenylalanine, an amino acid with highly dissimilar properties. This amino acid position is poorly conserved in available vertebrate species. In addition, this alteration is predicted to be tolerated by in silico analysis. Since supporting evidence is limited at this time, the clinical significance of this alteration remains unclear.

Leiden Open Variation Database
Classification: Uncertain significance. Last evaluated: 2018-08-25. Review status: no assertion criteria provided. Collection method: curation. Allele origin: germline. Affected: yes. Not counted in ClinVar's aggregate classification.
Comment: Curators: Marc Tischkowitz, Arleen D. Auerbach. Submitter to LOVD: Yukihide Momozawa.

Literature cited by the submitters: PubMed 30287823 (cited by Color Diagnostics, LLC DBA Color Health and Leiden Open Variation Database); PubMed 31214711 (cited by Color Diagnostics, LLC DBA Color Health); PubMed 32980694 (cited by Color Diagnostics, LLC DBA Color Health).

NM_024675.4(PALB2):c.1601C>T (p.Ser534Phe)

Gene: PALB2 (partner and localizer of BRCA2; minus strand). Cytogenetic location: 16p12.2.
Variant type: single nucleotide variant.
Coding change: c.1601C>T on transcript NM_024675.4 (MANE Select); coding-DNA position 1601, C replaced by T.
Protein change: p.Ser534Phe; replaces serine 534 with phenylalanine.
Molecular consequence: missense variant.
Genome position (GRCh38, 1-based): chr16:23,634,945, G>A on the plus strand (C>T on the coding strand, the complement: PALB2 is on the minus strand). VCF-style: chr16-23634945-G-A. GRCh37 (hg19) VCF-style: chr16-23646266-G-A.
Other names: short protein forms S534F.
Identifiers: ClinVar variation 484216 (VCV000484216.8), dbSNP rs1555461200, ClinGen allele CA395130519.
Genomic context (GRCh38, chr16:23,634,945, plus strand): 5'-TCGTGCTGATATTTGTGTGAGGTGACTTCTTCCTTGGACCTGTTAACAATCGACAGGCTA[G>A]AAGTTGGCAAAAGTGGTTCACAATGATCTGATGCTGGGGTGCAGGCTGATTTTCTTTTTC-3'
Protein context (NP_078951.2, residues 524-544): SDHCEPLLPT[Ser534Phe]SLSIVNRSKE